The following is an entry in ClinVar:

ClinVar aggregate classification (germline): Likely benign (1 of 4 stars; one submission).

Submission:

CeGaT Center for Human Genetics Tuebingen
Classification: Likely benign. Last evaluated: 2022-10-01. Review status: criteria provided, single submitter. Criteria: CeGaT Center For Human Genetics Tuebingen Variant Classification Criteria Version 2. Collection method: clinical testing. Allele origin: germline. Affected: yes. Observed: 1 variant allele.
Comment: TAB3: BP4, BP7

NM_152787.5(TAB3):c.1701G>A (p.Ala567=)

Gene: TAB3 (TGF-beta activated kinase 1 (MAP3K7) binding protein 3; minus strand). Cytogenetic location: Xp21.2.
Variant type: single nucleotide variant.
Coding change: c.1701G>A on transcript NM_152787.5 (MANE Select); coding-DNA position 1701, G replaced by A.
Protein change: p.Ala567=; no amino-acid change (alanine 567 retained).
Molecular consequence: synonymous variant. On other transcripts: non-coding transcript variant (2).
Genome position (GRCh38, 1-based): chrX:30,852,787, C>T on the plus strand (G>A on the coding strand, the complement: TAB3 is on the minus strand). VCF-style: chrX-30852787-C-T. GRCh37 (hg19) VCF-style: chrX-30870904-C-T.
Other names: c.1701G>A, p.Ala567= (NM_001399870.1, NM_001399872.1, NM_001399873.1).
Identifiers: ClinVar variation 2660236 (VCV002660236.24), dbSNP rs771530217, ClinGen allele CA10377082.
Genomic context (GRCh38, chrX:30,852,787, plus strand): 5'-GACAGCCAATATCCCGACCCTCCTATTAACACATCCTAACAGATCACTTACCGTAGGGAT[C>T]GCAGTGGTGCAGCTGACTCTTCTGAGCCGTCTCTGCATCAGGTCATGCTCCATACCATTA-3'
Protein context (NP_690000.3, residues 557-577): RRLRRVSCTT[Ala567=]IPTPEEMTRL